The following is an entry in ClinVar:

ClinVar aggregate classification (germline): Uncertain significance. Review status: criteria provided, multiple submitters, no conflicts (2 of 4 stars). 3 submissions from 3 submitters: Uncertain significance (3). Last evaluated 2026-06-11.

Conditions:
Cardiovascular phenotype. Identifiers: MedGen CN230736.
Hereditary cancer-predisposing syndrome. Also called: Neoplastic Syndromes, Hereditary; Tumor predisposition; Hereditary neoplastic syndrome; Hereditary Cancer Syndrome. Identifiers: Orphanet 140162, MedGen C0027672, MeSH D009386, MONDO:0015356.

Allele frequency attached by ClinVar (database versions not stated): TOPMed 0.00001; gnomAD exomes below 0.00001; gnomAD 0.00001.
gnomAD v4.1: 6 of 1,612,802 alleles (0.00037%); highest among the groups gnomAD compares: African/African-American, 0.0013%; no homozygotes.

Submissions (3):

Women's Health and Genetics/Laboratory Corporation of America, LabCorp
Classification: Uncertain significance. Last evaluated: 2026-06-11. Review status: criteria provided, single submitter. Criteria: LabCorp Variant Classification Summary - May 2015. Collection method: clinical testing. Allele origin: germline.
Comment: Variant summary: LZTR1 c.1699C>T (p.Arg567Cys) results in a non-conservative amino acid change in the encoded protein sequence. Algorithms developed to predict the effect of missense changes on protein structure and function are either unavailable or do not agree on the potential impact of this missense change. The variant was absent in 250392 control chromosomes. The available data on variant occurrences in the general population are insufficient to allow any conclusion about variant significance. To our knowledge, no occurrence of c.1699C>T in individuals affected with LZTR1-related conditions and no experimental evidence demonstrating its impact on protein function have been reported. ClinVar contains an entry for this variant (Variation ID: 1778288). Based on the evidence outlined above, the variant was classified as uncertain significance.

Ambry Genetics
Classification: Uncertain significance for Cardiovascular phenotype; Hereditary cancer-predisposing syndrome. Last evaluated: 2025-08-02. Review status: criteria provided, single submitter. Criteria: Ambry Variant Classification Scheme 2023. Collection method: clinical testing. Allele origin: germline.
Comment: The p.R567C variant (also known as c.1699C>T), located in coding exon 15 of the LZTR1 gene, results from a C to T substitution at nucleotide position 1699. The arginine at codon 567 is replaced by cysteine, an amino acid with highly dissimilar properties. This amino acid position is conserved. In addition, this alteration is predicted to be tolerated by in silico analysis. Since supporting evidence is limited at this time, the clinical significance of this alteration remains unclear.

Labcorp Genetics (formerly Invitae), Labcorp
Classification: Uncertain significance. Last evaluated: 2024-05-18. Review status: criteria provided, single submitter. Criteria: Invitae Variant Classification Sherloc (09022015). Collection method: clinical testing. Allele origin: germline.
Comment: This sequence change replaces arginine, which is basic and polar, with cysteine, which is neutral and slightly polar, at codon 567 of the LZTR1 protein (p.Arg567Cys). This variant is present in population databases (no rsID available, gnomAD 0.01%). This variant has not been reported in the literature in individuals affected with LZTR1-related conditions. ClinVar contains an entry for this variant (Variation ID: 1778288). Advanced modeling of protein sequence and biophysical properties (such as structural, functional, and spatial information, amino acid conservation, physicochemical variation, residue mobility, and thermodynamic stability) performed at Invitae indicates that this missense variant is not expected to disrupt LZTR1 protein function with a negative predictive value of 80%. In summary, the available evidence is currently insufficient to determine the role of this variant in disease. Therefore, it has been classified as a Variant of Uncertain Significance.

NM_006767.4(LZTR1):c.1699C>T (p.Arg567Cys)

Gene: LZTR1 (leucine zipper like post translational regulator 1; plus strand). Cytogenetic location: 22q11.21.
Variant type: single nucleotide variant.
Coding change: c.1699C>T on transcript NM_006767.4 (MANE Select); coding-DNA position 1699, C replaced by T.
Protein change: p.Arg567Cys; replaces arginine 567 with cysteine.
Molecular consequence: missense variant.
Genome position (GRCh38, 1-based): chr22:20,994,641, C>T. VCF-style: chr22-20994641-C-T. GRCh37 (hg19) VCF-style: chr22-21348930-C-T.
Other names: short protein forms R567C.
Identifiers: ClinVar variation 1778288 (VCV001778288.9), dbSNP rs1207295390, ClinGen allele CA410777879.
Genomic context (GRCh38, chr22:20,994,641, plus strand): 5'-ATCATGGATGTGTACAAACTGGCACTGAGCTTCCAGTTGTGCCGCCTGGAGCAGCTGTGC[C>T]GCCAGTACATCGAGGCCTCCGTGGACCTGCAGAACGTGCTGGTTGTGTGCGAGAGTGCCG-3'
Protein context (NP_006758.2, residues 557-577): FQLCRLEQLC[Arg567Cys]QYIEASVDLQ